The following is an entry in ClinVar:

ClinVar aggregate classification (germline): Likely benign. Review status: criteria provided, multiple submitters, no conflicts (2 of 4 stars). 2 submissions from 2 submitters: Likely benign (2). Last evaluated 2025-08-08.

Allele frequency attached by ClinVar (database versions not stated): ExAC 0.00051; 1000 Genomes Project 0.00060; 1000 Genomes Project 30x 0.00062; ESP Exome Variant Server 0.00087; gnomAD 0.00110; TOPMed 0.00126.
gnomAD v4.1: 327 of 1,587,594 alleles (0.021%); highest among the groups gnomAD compares: African/African-American, 0.4%; 1 homozygote.

Submissions (2):

Ambry Genetics
Classification: Likely benign. Last evaluated: 2025-08-08. Review status: criteria provided, single submitter. Criteria: Ambry Variant Classification Scheme 2023. Collection method: clinical testing. Allele origin: germline.

CeGaT Center for Human Genetics Tuebingen
Classification: Likely benign. Last evaluated: 2022-05-01. Review status: criteria provided, single submitter. Criteria: CeGaT Center For Human Genetics Tuebingen Variant Classification Criteria Version 2. Collection method: clinical testing. Allele origin: germline. Affected: yes. Observed: 2 variant alleles.
Comment: ABCB5: BP4

NM_001163941.2(ABCB5):c.1048G>A (p.Ala350Thr)

Gene: ABCB5 (ATP binding cassette subfamily B member 5; plus strand). Cytogenetic location: 7p21.1.
Variant type: single nucleotide variant.
Coding change: c.1048G>A on transcript NM_001163941.2 (MANE Select); coding-DNA position 1048, G replaced by A.
Protein change: p.Ala350Thr; replaces alanine 350 with threonine.
Molecular consequence: missense variant. On other transcripts: 5 prime UTR variant (3).
Genome position (GRCh38, 1-based): chr7:20,647,601, G>A. VCF-style: chr7-20647601-G-A. GRCh37 (hg19) VCF-style: chr7-20687224-G-A.
Other names: c.1048G>A (NM_001163941.1); c.-288G>A (NM_001163942.2, NM_001163993.3, NM_178559.6); short protein forms A350T.
Identifiers: ClinVar variation 2657333 (VCV002657333.25), dbSNP rs183727655, ClinGen allele CA4176703.